The following is an entry in ClinVar:

ClinVar aggregate classification (germline): Pathogenic (0 of 4 stars; one submission).

Conditions:
Hypohidrotic X-linked ectodermal dysplasia (XHED). Also called: ECTODERMAL DYSPLASIA 1; Ectodermal Dysplasia 1, Anhidrotic; ECTODERMAL DYSPLASIA, HYPOHIDROTIC, 1; CST SYNDROME; Anhidrotic ectodermal dysplasia X-linked; Christ Siemens Touraine syndrome. Identifiers: Orphanet 181, Orphanet 238468, MedGen C0162359, MONDO:0010585, OMIM 305100.

Submission:

Department of Pediatric and Adolescent Medicine, University of Erlangen
Classification: Pathogenic for Hypohidrotic X-linked ectodermal dysplasia. Last evaluated: 2025-01-07. Review status: no assertion criteria provided. Collection method: clinical testing. Allele origin: germline. Affected: yes. Clinical features observed: heat intolerance.
Comment: This variant was found in three probands with typical features of XLHED

NM_001399.5(EDA):c.533_552delinsCTGAA (p.Lys178_Pro184delinsThrGlu)

Gene: EDA (ectodysplasin A; plus strand). Cytogenetic location: Xq13.1.
Variant type: Indel.
Coding change: c.533_552delinsCTGAA on transcript NM_001399.5 (MANE Select); coding-DNA positions 533 to 552, AAGCAGGACCTCCTGGACCC replaced by CTGAA.
Protein change: p.Lys178_Pro184delinsThrGlu.
Molecular consequence: inframe indel.
Genome position (GRCh38, 1-based): chrX:70,027,863-70,027,882, AAGCAGGACCTCCTGGACCC replaced by CTGAA. VCF-style: chrX-70027863-AAGCAGGACCTCCTGGACCC-CTGAA. GRCh37 (hg19) VCF-style: chrX-69247713-AAGCAGGACCTCCTGGACCC-CTGAA.
Other names: c.533_552delinsCTGAA, p.Lys178_Pro184delinsThrGlu (NM_001005609.2, NM_001005612.3, NM_001440761.1 and 1 more transcripts).
Identifiers: ClinVar variation 4884868 (VCV004884868.1).